The following is an entry in ClinVar:

ClinVar aggregate classification (germline): Uncertain significance (1 of 4 stars; one submission).

Submission:

Labcorp Genetics (formerly Invitae), Labcorp
Classification: Uncertain significance. Last evaluated: 2025-08-25. Review status: criteria provided, single submitter. Criteria: Invitae Variant Classification Sherloc (09022015). Collection method: clinical testing. Allele origin: germline.
Comment: This sequence change replaces histidine, which is basic and polar, with arginine, which is basic and polar, at codon 479 of the SETD5 protein (p.His479Arg). This variant is not present in population databases (gnomAD no frequency). This variant has not been reported in the literature in individuals affected with SETD5-related conditions. Invitae Evidence Modeling of protein sequence and biophysical properties (such as structural, functional, and spatial information, amino acid conservation, physicochemical variation, residue mobility, and thermodynamic stability) indicates that this missense variant is not expected to disrupt SETD5 protein function with a negative predictive value of 80%. In summary, the available evidence is currently insufficient to determine the role of this variant in disease. Therefore, it has been classified as a Variant of Uncertain Significance.

NM_001080517.3(SETD5):c.1436A>G (p.His479Arg)

Gene: SETD5 (SET domain containing 5; plus strand). Cytogenetic location: 3p25.3.
Variant type: single nucleotide variant.
Coding change: c.1436A>G on transcript NM_001080517.3 (MANE Select); coding-DNA position 1436, A replaced by G.
Protein change: p.His479Arg; replaces histidine 479 with arginine.
Molecular consequence: missense variant.
Genome position (GRCh38, 1-based): chr3:9,445,296, A>G. VCF-style: chr3-9445296-A-G. GRCh37 (hg19) VCF-style: chr3-9486980-A-G.
Other names: c.1142A>G, p.His381Arg (NM_001292043.2, NM_001349451.2); c.1532A>G, p.His511Arg (NM_001437633.1); c.1493A>G, p.His498Arg (NM_001437635.1); c.1436A>G, p.His479Arg (NM_001437643.1); c.1475A>G, p.His492Arg (NM_001437701.1); short protein forms H381R, H479R, H492R, H498R, H511R.
Identifiers: ClinVar variation 4768235 (VCV004768235.1).